The following is an entry in ClinVar:

ClinVar aggregate classification (germline): Uncertain significance. Review status: criteria provided, multiple submitters, no conflicts (2 of 4 stars). 2 submissions from 2 submitters: Uncertain significance (2). Last evaluated 2026-03-22.

Conditions:
OPLAH-related disorder. Also called: OPLAH-related condition.
5-Oxoprolinase deficiency (OPLAHD). Also called: 5-OXOPROLINURIA DUE TO 5-OXOPROLINASE DEFICIENCY. Identifiers: Orphanet 33572, MedGen C0268525, MONDO:0009825, OMIM 260005, HP:0040142.

Allele frequency attached by ClinVar (database versions not stated): ExAC 0.00001; gnomAD exomes 0.00004.

Submissions (2):

PreventionGenetics, part of Exact Sciences
Classification: Uncertain significance for OPLAH-related condition. Last evaluated: 2026-03-22. Review status: criteria provided, single submitter. Criteria: ACMG Guidelines, 2015. Collection method: clinical testing. Allele origin: germline.
Comment: The OPLAH c.1156G>T variant is predicted to result in the amino acid substitution p.Gly386Trp. To our knowledge, this variant has not been reported in the literature. This variant is reported in 0.0028% of alleles in individuals of European (Non-Finnish) descent in gnomAD. At this time, the clinical significance of this variant is uncertain due to the absence of conclusive functional and genetic evidence.

Labcorp Genetics (formerly Invitae), Labcorp
Classification: Uncertain significance for 5-Oxoprolinase deficiency. Last evaluated: 2022-05-27. Review status: criteria provided, single submitter. Criteria: Invitae Variant Classification Sherloc (09022015). Collection method: clinical testing. Allele origin: germline.
Comment: In summary, the available evidence is currently insufficient to determine the role of this variant in disease. Therefore, it has been classified as a Variant of Uncertain Significance. This sequence change replaces glycine, which is neutral and non-polar, with tryptophan, which is neutral and slightly polar, at codon 386 of the OPLAH protein (p.Gly386Trp). This variant is present in population databases (rs765084576, gnomAD 0.003%). This variant has not been reported in the literature in individuals affected with OPLAH-related conditions. Algorithms developed to predict the effect of sequence changes on RNA splicing suggest that this variant may disrupt the consensus splice site.

NM_017570.5(OPLAH):c.1156G>T (p.Gly386Trp)

Gene: OPLAH (5-oxoprolinase, ATP-hydrolysing; minus strand). Cytogenetic location: 8q24.3.
Variant type: single nucleotide variant.
Coding change: c.1156G>T on transcript NM_017570.5 (MANE Select); coding-DNA position 1156, G replaced by T.
Protein change: p.Gly386Trp; replaces glycine 386 with tryptophan.
Molecular consequence: missense variant.
Genome position (GRCh38, 1-based): chr8:144,057,856, C>A on the plus strand (G>T on the coding strand, the complement: OPLAH is on the minus strand). VCF-style: chr8-144057856-C-A. GRCh37 (hg19) VCF-style: chr8-145112759-C-A.
Other names: c.1156G>T (NM_017570.4); short protein forms G386W.
Identifiers: ClinVar variation 1925871 (VCV001925871.6), dbSNP rs765084576, ClinGen allele CA4931985.